The following is an entry in ClinVar:

ClinVar aggregate classification (germline): Uncertain significance. Review status: criteria provided, multiple submitters, no conflicts (2 of 4 stars). 2 submissions from 2 submitters: Uncertain significance (2). Last evaluated 2024-11-09.

Conditions:
Inborn genetic diseases. Identifiers: MedGen C0950123, MeSH D030342.

Allele frequency attached by ClinVar (database versions not stated): gnomAD 0.00009.
gnomAD v4.1: 58 of 1,611,948 alleles (0.0036%); highest among the groups gnomAD compares: Middle Eastern, 0.017%; no homozygotes.

Submissions (2):

Ambry Genetics
Classification: Uncertain significance for Inborn genetic diseases. Last evaluated: 2024-11-09. Review status: criteria provided, single submitter. Criteria: Ambry Variant Classification Scheme 2023. Collection method: clinical testing. Allele origin: germline.

GeneDx
Classification: Uncertain significance. Last evaluated: 2022-12-31. Review status: criteria provided, single submitter. Criteria: GeneDx Variant Classification Process June 2021. Collection method: clinical testing. Allele origin: germline. Affected: yes.
Comment: In silico analysis supports that this missense variant does not alter protein structure/function; Has not been previously published as pathogenic or benign to our knowledge

NM_001080453.3(INTS1):c.2162C>T (p.Pro721Leu)

Gene: INTS1 (integrator complex subunit 1; minus strand). Cytogenetic location: 7p22.3.
Variant type: single nucleotide variant.
Coding change: c.2162C>T on transcript NM_001080453.3 (MANE Select); coding-DNA position 2162, C replaced by T.
Protein change: p.Pro721Leu; replaces proline 721 with leucine.
Molecular consequence: missense variant.
Genome position (GRCh38, 1-based): chr7:1,493,013, G>A on the plus strand (C>T on the coding strand, the complement: INTS1 is on the minus strand). VCF-style: chr7-1493013-G-A. GRCh37 (hg19) VCF-style: chr7-1532649-G-A.
Other names: short protein forms P721L.
Identifiers: ClinVar variation 2507197 (VCV002507197.2), dbSNP rs745998142, ClinGen allele CA4120004.